The following is an entry in ClinVar:

ClinVar aggregate classification (germline): Likely pathogenic (1 of 4 stars; one submission).

Conditions:
Cornelia de Lange syndrome 1 (CDLS1). Also called: NIPBL-Related Cornelia de Lange Syndrome; TYPUS DEGENERATIVUS AMSTELODAMENSIS; Brachmann de Lange syndrome. Identifiers: Orphanet 199, MedGen C4551851, MONDO:0007387, OMIM 122470.

Submission:

3billion
Classification: Likely pathogenic for Cornelia de Lange syndrome 1. Last evaluated: 2024-07-17. Review status: criteria provided, single submitter. Criteria: ACMG Guidelines, 2015. Collection method: clinical testing. Allele origin: germline. Affected: yes.
Comment: The variant is not observed in the gnomAD v4.0.0 dataset. Predicted Consequence/Location: Synonymous variant In silico tools predict the variant to alter splicing and produce an abnormal transcript [SpliceAI: 0.75 (>=0.2, moderate evidence for spliceogenicity)]. The variant has been previously reported as assumed (i.e. paternity and maternity not confirmed) de novo in at least one similarly affected unrelated individual (PMID: 37377026). The variant has been reported to be associated with NIPBL related disorder (PMID: 37377026). Therefore, this variant is classified as Likely pathogenic according to the recommendation of ACMG/AMP guideline.

Literature cited by the submitters: PubMed 37377026.

NM_133433.4(NIPBL):c.5427G>A (p.Arg1809=)

Gene: NIPBL (NIPBL cohesin loading factor; plus strand). Cytogenetic location: 5p13.2.
Variant type: single nucleotide variant.
Coding change: c.5427G>A on transcript NM_133433.4 (MANE Select); coding-DNA position 5427, G replaced by A.
Protein change: p.Arg1809=; no amino-acid change (arginine 1809 retained).
Molecular consequence: synonymous variant.
Genome position (GRCh38, 1-based): chr5:37,022,149, G>A. VCF-style: chr5-37022149-G-A. GRCh37 (hg19) VCF-style: chr5-37022251-G-A.
Other names: c.5427G>A, p.Arg1809= (NM_015384.5).
Identifiers: ClinVar variation 1705445 (VCV001705445.2), dbSNP rs2478338103, ClinGen allele CA443905396.
Genomic context (GRCh38, chr5:37,022,149, plus strand): 5'-AACAAAAGCCATGAAGTGTTTGTCTGAGGTTGTTGCTGTAGACCCCAGTATTCTAGCAAG[G>A]GTAAAGAGCAAAAATGATTCTTTCTTTTCTACTCGAATTGGAATATTCACTCTATTTAGG-3'
Protein context (NP_597677.2, residues 1799-1819): VVAVDPSILA[Arg1809=]LDMQRGVHGR